The following is an entry in ClinVar:

NM_001134363.3(RBM20):c.2033dup (p.His678fs)

Gene: RBM20 (RNA binding motif protein 20; plus strand). Cytogenetic location: 10q25.2.
Variant type: Duplication.
Coding change: c.2033dup on transcript NM_001134363.3 (MANE Select); coding-DNA position 2033, one base duplicated (A; older notation c.2033dupA).
Protein change: p.His678fs; shifts the reading frame from histidine 678.
Molecular consequence: frameshift variant.
Genome position (GRCh38, 1-based): chr10:110,812,430, A duplicated. VCF-style (leftmost placement, unchanged base first): chr10-110812429-C-CA. GRCh37 (hg19) VCF-style: chr10-112572187-C-CA.
Other names: short protein forms H678fs.
Identifiers: ClinVar variation 1307889 (VCV001307889.3), dbSNP rs2135104270, ClinGen allele CA2573053236.

ClinVar aggregate classification (germline): Uncertain significance (1 of 4 stars; one submission).

Submission:

GeneDx
Classification: Uncertain significance. Last evaluated: 2025-10-10. Review status: criteria provided, single submitter. Criteria: GeneDx Variant Classification Process June 2021. Collection method: clinical testing. Allele origin: germline. Affected: yes.
Comment: Has not been previously published as pathogenic or benign to our knowledge; Not observed at significant frequency in large population cohorts (gnomAD); Frameshift variant predicted to result in protein truncation or nonsense mediated decay in a gene or region of a gene for which loss of function is not a well-established mechanism of disease